The following is an entry in ClinVar:

NM_000548.5(TSC2):c.5048T>C (p.Val1683Ala)

Gene: TSC2 (TSC complex subunit 2; plus strand). Cytogenetic location: 16p13.3.
Variant type: single nucleotide variant.
Coding change: c.5048T>C on transcript NM_000548.5 (MANE Select); coding-DNA position 5048, T replaced by C.
Protein change: p.Val1683Ala; replaces valine 1683 with alanine.
Molecular consequence: missense variant. On other transcripts: non-coding transcript variant (5).
Genome position (GRCh38, 1-based): chr16:2,087,921, T>C. VCF-style: chr16-2087921-T-C. GRCh37 (hg19) VCF-style: chr16-2137922-T-C.
Other names: c.4847T>C, p.Val1616Ala (NM_001077183.3); c.4979T>C, p.Val1660Ala (NM_001114382.3); c.4739T>C, p.Val1580Ala (NM_001318827.2); c.4703T>C, p.Val1568Ala (NM_001318829.2); c.4316T>C, p.Val1439Ala (NM_001318831.2); c.4880T>C, p.Val1627Ala (NM_001318832.2); c.4850T>C, p.Val1617Ala (NM_001363528.2); c.4916T>C, p.Val1639Ala (NM_001370404.1); and 26 more; short protein forms V1082A, V1168A, V1169A, V1191A, V1192A, V1212A, V1416A, V1417A.
Identifiers: ClinVar variation 3770216 (VCV003770216.1).

ClinVar aggregate classification (germline): Pathogenic (1 of 4 stars; one submission).

Conditions:
Isolated focal cortical dysplasia type II (FCORD2). Also called: Focal cortical dysplasia type II; CORTICAL DYSPLASIA OF TAYLOR. Identifiers: Orphanet 268994, MedGen C1846385, MONDO:0011818, OMIM 607341, HP:0032051.

Submission:

Department of Neurology, Zibo Changguo Hospital
Classification: Pathogenic for Isolated focal cortical dysplasia type II. Last evaluated: 2025-01-10. Review status: criteria provided, single submitter. Criteria: ACMG Guidelines, 2015. Collection method: clinical testing. Allele origin: paternal. Inheritance: Autosomal dominant inheritance. Affected: yes.
Comment: PM1, PM2_Supporting, PM5, PP3_Strong, PP4